The following is an entry in ClinVar:

NM_000443.4(ABCB4):c.944C>T (p.Ala315Val)

Gene: ABCB4 (ATP binding cassette subfamily B member 4; minus strand). Cytogenetic location: 7q21.12.
Variant type: single nucleotide variant.
Coding change: c.944C>T on transcript NM_000443.4 (MANE Select); coding-DNA position 944, C replaced by T.
Protein change: p.Ala315Val; replaces alanine 315 with valine.
Molecular consequence: missense variant.
Genome position (GRCh38, 1-based): chr7:87,447,095, G>A on the plus strand (C>T on the coding strand, the complement: ABCB4 is on the minus strand). VCF-style: chr7-87447095-G-A. GRCh37 (hg19) VCF-style: chr7-87076411-G-A.
Other names: c.944C>T, p.Ala315Val (NM_018849.3, NM_018850.3); short protein forms A315V.
Identifiers: ClinVar variation 4984065 (VCV004984065.1).
Genomic context (GRCh38, chr7:87,447,095, plus strand): 5'-GTCATTGCATTTCCAATAGTATATTCTTTTGATATGACTAGAGTGGATCCATACCAGAAG[G>A]CCAGTGCATATGATGCATATATTAACAGGAAGGCAATACCCATGGAAATGTTTGCTGAAA-3'
Protein context (NP_000434.1, residues 305-325): FLLIYASYAL[Ala315Val]FWYGSTLVIS

ClinVar aggregate classification (germline): Uncertain significance (1 of 4 stars; one submission).

Conditions:
ABCB4-related disorder. Also called: ABCB4-related disorders; ABCB4-related condition.

gnomAD v4.1: 1 of 1,613,840 alleles (0.000062%); highest among the groups gnomAD compares: Non-Finnish European, 0.000085%; no homozygotes.

Submission:

PreventionGenetics, part of Exact Sciences
Classification: Uncertain significance for ABCB4-related condition. Last evaluated: 2026-07-10. Review status: criteria provided, single submitter. Criteria: ACMG Guidelines, 2015. Collection method: clinical testing. Allele origin: germline.
Comment: The ABCB4 c.944C>T variant is predicted to result in the amino acid substitution p.Ala315Val. To our knowledge, this variant has not been reported in the literature or in a large population database (gnomAD), indicating this variant is rare. At this time, the clinical significance of this variant is uncertain due to the absence of conclusive functional and genetic evidence.